The following is an entry in ClinVar:

ClinVar aggregate classification (germline): Uncertain significance (1 of 4 stars; one submission).

Conditions:
Emery-Dreifuss muscular dystrophy 4, autosomal dominant (EDMD4). Also called: EMERY-DREIFUSS MUSCULAR DYSTROPHY 4 WITH VARIABLE FEATURES. Identifiers: Orphanet 261, MedGen C2751807, MONDO:0013071, OMIM 612998.
Autosomal recessive ataxia, Beauce type. Also called: SYNE1 Deficiency; Spinocerebellar ataxia, autosomal recessive 8; ATAXIA, RECESSIVE, OF BEAUCE; SYNE1-Related Autosomal Recessive Cerebellar Ataxia. Identifiers: Orphanet 88644, MedGen C1853116, MONDO:0012549, OMIM 610743.

Submission:

Labcorp Genetics (formerly Invitae), Labcorp
Classification: Uncertain significance for Emery-Dreifuss muscular dystrophy 4, autosomal dominant; Autosomal recessive ataxia, Beauce type. Last evaluated: 2024-10-18. Review status: criteria provided, single submitter. Criteria: Invitae Variant Classification Sherloc (09022015). Collection method: clinical testing. Allele origin: germline.
Comment: This sequence change replaces alanine, which is neutral and non-polar, with glycine, which is neutral and non-polar, at codon 1650 of the SYNE1 protein (p.Ala1650Gly). This variant is not present in population databases (gnomAD no frequency). This variant has not been reported in the literature in individuals affected with SYNE1-related conditions. ClinVar contains an entry for this variant (Variation ID: 2058191). An algorithm developed to predict the effect of missense changes on protein structure and function (PolyPhen-2) suggests that this variant is likely to be disruptive. In summary, the available evidence is currently insufficient to determine the role of this variant in disease. Therefore, it has been classified as a Variant of Uncertain Significance.

NM_182961.4(SYNE1):c.4928C>G (p.Ala1643Gly)

Gene: SYNE1 (spectrin repeat containing nuclear envelope protein 1; minus strand). Cytogenetic location: 6q25.2.
Variant type: single nucleotide variant.
Coding change: c.4928C>G on transcript NM_182961.4 (MANE Select); coding-DNA position 4928, C replaced by G.
Protein change: p.Ala1643Gly; replaces alanine 1643 with glycine.
Molecular consequence: missense variant.
Genome position (GRCh38, 1-based): chr6:152,428,253, G>C on the plus strand (C>G on the coding strand, the complement: SYNE1 is on the minus strand). VCF-style: chr6-152428253-G-C. GRCh37 (hg19) VCF-style: chr6-152749388-G-C.
Other names: c.4949C>G, p.Ala1650Gly (NM_033071.5); short protein forms A1643G, A1650G.
Identifiers: ClinVar variation 2058191 (VCV002058191.4), dbSNP rs753598584, ClinGen allele CA366140513.